The following is an entry in ClinVar:

ClinVar aggregate classification (germline): Pathogenic (1 of 4 stars; one submission).

Allele frequency attached by ClinVar (database versions not stated): gnomAD exomes 0.00001; ExAC 0.00002; TOPMed 0.00003; gnomAD 0.00004; ESP Exome Variant Server 0.00015.
gnomAD v4.1: 20 of 1,613,912 alleles (0.0012%); highest among the groups gnomAD compares: Admixed American, 0.0017%; no homozygotes.

Submission:

Labcorp Genetics (formerly Invitae), Labcorp
Classification: Pathogenic. Last evaluated: 2017-10-19. Review status: criteria provided, single submitter. Criteria: Invitae Variant Classification Sherloc (09022015). Collection method: clinical testing. Allele origin: germline.
Comment: This sequence change creates a premature translational stop signal (p.Arg214*) in the DDB2 gene. It is expected to result in an absent or disrupted protein product. This variant is present in population databases (rs144989465, ExAC 0.003%). This variant has not been reported in the literature in individuals with DDB2-related disease. Loss-of-function variants in DDB2 are known to be pathogenic (PMID: 10469312, 26884178). For these reasons, this variant has been classified as Pathogenic.

Literature cited by the submitters: PubMed 10469312; PubMed 26884178.

NM_000107.3(DDB2):c.640C>T (p.Arg214Ter)

Gene: DDB2 (damage specific DNA binding protein 2; plus strand). Cytogenetic location: 11p11.2.
Variant type: single nucleotide variant.
Coding change: c.640C>T on transcript NM_000107.3 (MANE Select); coding-DNA position 640, C replaced by T.
Protein change: p.Arg214Ter; replaces arginine 214 with a stop codon.
Molecular consequence: nonsense. On other transcripts: non-coding transcript variant (2), intron variant (2).
Genome position (GRCh38, 1-based): chr11:47,234,610, C>T. VCF-style: chr11-47234610-C-T. GRCh37 (hg19) VCF-style: chr11-47256161-C-T.
Other names: c.640C>T, p.Arg214Ter (NM_001399874.1, NM_001399875.1); c.448C>T, p.Arg150Ter (NM_001399878.1); c.457-3227C>T (NM_001399876.1, NM_001300734.2); short protein forms R214*, R150*.
Identifiers: ClinVar variation 2062799 (VCV002062799.1), dbSNP rs144989465, ClinGen allele CA5972571.
Genomic context (GRCh38, chr11:47,234,610, plus strand): 5'-TACAACACAGTCTCTCCCTCCAGCATCTGGTTTTGTAGCCTGGATGTGTCTGCTAGTAGC[C>T]GAATGGTGGTCACAGGAGACAACGTGGGGAACGTGATCCTGCTGAACATGGACGGCAAAG-3'